The following is an entry in ClinVar:

ClinVar aggregate classification (germline): Uncertain significance (1 of 4 stars; one submission).

Submission:

Labcorp Genetics (formerly Invitae), Labcorp
Classification: Uncertain significance. Last evaluated: 2022-10-17. Review status: criteria provided, single submitter. Criteria: Invitae Variant Classification Sherloc (09022015). Collection method: clinical testing. Allele origin: germline.
Comment: This sequence change replaces alanine, which is neutral and non-polar, with serine, which is neutral and polar, at codon 105 of the PEPD protein (p.Ala105Ser). This variant is not present in population databases (gnomAD no frequency). This variant has not been reported in the literature in individuals affected with PEPD-related conditions. Advanced modeling of protein sequence and biophysical properties (such as structural, functional, and spatial information, amino acid conservation, physicochemical variation, residue mobility, and thermodynamic stability) performed at Invitae indicates that this missense variant is not expected to disrupt PEPD protein function. In summary, the available evidence is currently insufficient to determine the role of this variant in disease. Therefore, it has been classified as a Variant of Uncertain Significance.

NM_000285.4(PEPD):c.313G>T (p.Ala105Ser)

Gene: PEPD (peptidase D; minus strand). Cytogenetic location: 19q13.11.
Variant type: single nucleotide variant.
Coding change: c.313G>T on transcript NM_000285.4 (MANE Select); coding-DNA position 313, G replaced by T.
Protein change: p.Ala105Ser; replaces alanine 105 with serine.
Molecular consequence: missense variant. On other transcripts: intron variant (1).
Genome position (GRCh38, 1-based): chr19:33,511,044, C>A on the plus strand (G>T on the coding strand, the complement: PEPD is on the minus strand). VCF-style: chr19-33511044-C-A. GRCh37 (hg19) VCF-style: chr19-34001950-C-A.
Other names: c.313G>T, p.Ala105Ser (NM_001166056.2); c.201+1549G>T (NM_001166057.2); short protein forms A105S.
Identifiers: ClinVar variation 2029472 (VCV002029472.1), dbSNP rs2513524200, ClinGen allele CA405232058.